The following is an entry in ClinVar:

NM_018648.4(NOP10):c.156C>G (p.Phe52Leu)

Gene: NOP10 (NOP10 ribonucleoprotein; minus strand). Cytogenetic location: 15q14.
Variant type: single nucleotide variant.
Coding change: c.156C>G on transcript NM_018648.4 (MANE Select); coding-DNA position 156, C replaced by G.
Protein change: p.Phe52Leu; replaces phenylalanine 52 with leucine.
Molecular consequence: missense variant.
Genome position (GRCh38, 1-based): chr15:34,342,007, G>C on the plus strand (C>G on the coding strand, the complement: NOP10 is on the minus strand). VCF-style: chr15-34342007-G-C. GRCh37 (hg19) VCF-style: chr15-34634208-G-C.
Other names: short protein forms F52L.
Identifiers: ClinVar variation 1054241 (VCV001054241.9), dbSNP rs2141228644, ClinGen allele CA391622003.

ClinVar aggregate classification (germline): Uncertain significance (1 of 4 stars; one submission).

Conditions:
Dyskeratosis congenita, autosomal recessive 1. Identifiers: Orphanet 1775, MedGen C1857144, MONDO:0009136, OMIM 224230.

Submission:

Labcorp Genetics (formerly Invitae), Labcorp
Classification: Uncertain significance for Dyskeratosis congenita, autosomal recessive 1. Last evaluated: 2020-03-18. Review status: criteria provided, single submitter. Criteria: Invitae Variant Classification Sherloc (09022015). Collection method: clinical testing. Allele origin: germline.
Comment: This sequence change replaces phenylalanine with leucine at codon 52 of the NOP10 protein (p.Phe52Leu). The phenylalanine residue is highly conserved and there is a small physicochemical difference between phenylalanine and leucine. This variant is not present in population databases (ExAC no frequency). This variant has not been reported in the literature in individuals with NOP10-related conditions. Algorithms developed to predict the effect of missense changes on protein structure and function are either unavailable or do not agree on the potential impact of this missense change (SIFT: "Deleterious"; PolyPhen-2: "Benign"; Align-GVGD: "Class C15"). In summary, the available evidence is currently insufficient to determine the role of this variant in disease. Therefore, it has been classified as a Variant of Uncertain Significance.